The following is an entry in ClinVar:

NM_003119.4(SPG7):c.1175G>T (p.Ser392Ile)

Gene: SPG7 (SPG7 matrix AAA peptidase subunit, paraplegin; plus strand). Cytogenetic location: 16q24.3.
Variant type: single nucleotide variant.
Coding change: c.1175G>T on transcript NM_003119.4 (MANE Select); coding-DNA position 1175, G replaced by T.
Protein change: p.Ser392Ile; replaces serine 392 with isoleucine.
Molecular consequence: missense variant.
Genome position (GRCh38, 1-based): chr16:89,532,487, G>T. VCF-style: chr16-89532487-G-T. GRCh37 (hg19) VCF-style: chr16-89598895-G-T.
Other names: c.1175G>T (NM_003119.2); c.1175G>T, p.Ser392Ile (NM_001363850.1, NM_199367.3); short protein forms S392I.
Identifiers: ClinVar variation 3701743 (VCV003701743.3).

ClinVar aggregate classification (germline): Uncertain significance. Review status: criteria provided, multiple submitters, no conflicts (2 of 4 stars). 2 submissions from 2 submitters: Uncertain significance (2). Last evaluated 2025-05-19.

Conditions:
Inborn genetic diseases. Identifiers: MedGen C0950123, MeSH D030342.
Hereditary spastic paraplegia 7 (SPG7). Also called: SPASTIC PARAPLEGIA 7, AUTOSOMAL RECESSIVE, WITH OR WITHOUT CEREBELLAR ATAXIA; SPG7-related neurologic disorder; Spastic paraplegia 7; Hereditary spastic paraplegia Paraplegin type; Autosomal recessive spastic paraplegia type 7. Identifiers: Orphanet 99013, MedGen C1846564, MONDO:0011803, OMIM 607259.

Submissions (2):

Ambry Genetics
Classification: Uncertain significance for Inborn genetic diseases. Last evaluated: 2025-05-19. Review status: criteria provided, single submitter. Criteria: Ambry Variant Classification Scheme 2023. Collection method: clinical testing. Allele origin: germline.

Labcorp Genetics (formerly Invitae), Labcorp
Classification: Uncertain significance for Hereditary spastic paraplegia 7. Last evaluated: 2024-05-23. Review status: criteria provided, single submitter. Criteria: Invitae Variant Classification Sherloc (09022015). Collection method: clinical testing. Allele origin: germline.
Comment: This sequence change replaces serine, which is neutral and polar, with isoleucine, which is neutral and non-polar, at codon 392 of the SPG7 protein (p.Ser392Ile). This variant is not present in population databases (gnomAD no frequency). This variant has not been reported in the literature in individuals affected with SPG7-related conditions. Advanced modeling of protein sequence and biophysical properties (such as structural, functional, and spatial information, amino acid conservation, physicochemical variation, residue mobility, and thermodynamic stability) performed at Invitae indicates that this missense variant is not expected to disrupt SPG7 protein function with a negative predictive value of 80%. In summary, the available evidence is currently insufficient to determine the role of this variant in disease. Therefore, it has been classified as a Variant of Uncertain Significance.